The following is an entry in ClinVar:

NM_016734.3(PAX5):c.650G>C (p.Arg217Thr)

Gene: PAX5 (paired box 5; minus strand). Cytogenetic location: 9p13.2.
Variant type: single nucleotide variant.
Coding change: c.650G>C on transcript NM_016734.3 (MANE Select); coding-DNA position 650, G replaced by C.
Protein change: p.Arg217Thr; replaces arginine 217 with threonine.
Molecular consequence: missense variant. On other transcripts: non-coding transcript variant (2).
Genome position (GRCh38, 1-based): chr9:36,966,679, C>G on the plus strand (G>C on the coding strand, the complement: PAX5 is on the minus strand). VCF-style: chr9-36966679-C-G. GRCh37 (hg19) VCF-style: chr9-36966676-C-G.
Other names: c.650G>C, p.Arg217Thr (NM_001280547.2, NM_001280548.2, NM_001280549.2 and 2 more transcripts); c.326G>C, p.Arg109Thr (NM_001280551.2, NM_001280556.2); c.521G>C, p.Arg174Thr (NM_001280553.2, NM_001280554.2); c.452G>C, p.Arg151Thr (NM_001280555.2); short protein forms R109T, R151T, R174T, R217T.
Identifiers: ClinVar variation 4861621 (VCV004861621.1).

ClinVar aggregate classification (germline): Uncertain significance (1 of 4 stars; one submission).

Conditions:
Inborn genetic diseases. Identifiers: MedGen C0950123, MeSH D030342.

Submission:

Ambry Genetics
Classification: Uncertain significance for Inborn genetic diseases. Last evaluated: 2026-06-01. Review status: criteria provided, single submitter. Criteria: Ambry Variant Classification Scheme 2023. Collection method: clinical testing. Allele origin: germline.
Comment: The p.R217T variant (also known as c.650G>C), located in coding exon 6 of the PAX5 gene, results from a G to C substitution at nucleotide position 650. The arginine at codon 217 is replaced by threonine, an amino acid with similar properties. This amino acid position is conserved. In addition, this alteration is predicted to be deleterious by in silico analysis. Based on the available evidence, the clinical significance of this variant remains unclear.